The following is an entry in ClinVar:

ClinVar aggregate classification (germline): Pathogenic/Likely pathogenic. Review status: criteria provided, multiple submitters, no conflicts (2 of 4 stars). 4 submissions from 4 submitters: Pathogenic (3); Likely pathogenic (1). Last evaluated 2023-10-13.

Conditions:
Ataxia-telangiectasia syndrome (AT). Also called: Ataxia-telangiectasia, complementation group D; AT, COMPLEMENTATION GROUP C; Ataxia-telangiectasia, complementation group E; Cerebello-oculocutaneous telangiectasia; Immunodeficiency with ataxia telangiectasia; ATAXIA-TELANGIECTASIA, COMPLEMENTATION GROUP A. Identifiers: Orphanet 100, MedGen C0004135, MONDO:0008840, OMIM 208900.
Familial cancer of breast. Also called: hereditary breast carcinoma; BREAST CANCER, FAMILIAL; Hereditary breast cancer. Identifiers: Orphanet 227535, MedGen C0346153, MONDO:0016419, OMIM 114480. Disease mechanism: loss of function.

Submissions (4):

GeneDx
Classification: Pathogenic. Last evaluated: 2023-10-13. Review status: criteria provided, single submitter. Criteria: GeneDx Variant Classification Process June 2021. Collection method: clinical testing. Allele origin: germline. Affected: yes.
Comment: Frameshift variant predicted to result in protein truncation or nonsense mediated decay in a gene for which loss of function is a known mechanism of disease; Not observed at significant frequency in large population cohorts (gnomAD); Truncating variants in this gene are considered pathogenic by a well-established clinical consortium and/or database; Observed in an individual with breast cancer (Guindalini et al., 2022); This variant is associated with the following publications: (PMID: 35264596)

Labcorp Genetics (formerly Invitae), Labcorp
Classification: Pathogenic for Ataxia-telangiectasia syndrome. Last evaluated: 2022-09-15. Review status: criteria provided, single submitter. Criteria: Invitae Variant Classification Sherloc (09022015). Collection method: clinical testing. Allele origin: germline.
Comment: This variant is not present in population databases (gnomAD no frequency). This sequence change creates a premature translational stop signal (p.Glu1091Valfs*4) in the ATM gene. It is expected to result in an absent or disrupted protein product. Loss-of-function variants in ATM are known to be pathogenic (PMID: 23807571, 25614872). This variant has not been reported in the literature in individuals affected with ATM-related conditions. ClinVar contains an entry for this variant (Variation ID: 584786). For these reasons, this variant has been classified as Pathogenic.

Baylor Genetics
Classification: Likely pathogenic for Familial cancer of breast. Last evaluated: 2022-03-10. Review status: criteria provided, single submitter. Criteria: ACMG Guidelines, 2015. Collection method: clinical testing. Allele origin: unknown.

Mendelics
Classification: Pathogenic for Ataxia-telangiectasia syndrome. Last evaluated: 2018-07-02. Review status: criteria provided, single submitter. Criteria: Mendelics Assertion Criteria 2017. Collection method: clinical testing. Allele origin: unknown.

Literature cited by the submitters: PubMed 23807571 (cited by Labcorp Genetics (formerly Invitae), Labcorp); PubMed 25614872 (cited by Labcorp Genetics (formerly Invitae), Labcorp).

NM_000051.4(ATM):c.3272_3273del (p.Glu1091fs)

Gene: ATM (ATM serine/threonine kinase; plus strand). Cytogenetic location: 11q22.3.
Variant type: Microsatellite.
Coding change: c.3272_3273del on transcript NM_000051.4 (MANE Select); coding-DNA positions 3272 to 3273, 2 bases deleted (AG; older notation c.3272_3273delAG).
Protein change: p.Glu1091fs; shifts the reading frame from glutamic acid 1091.
Molecular consequence: frameshift variant.
Genome position (GRCh38, 1-based): chr11:108,272,840-108,272,841, AG deleted; deleting any 2 consecutive bases within chr11:108,272,838-108,272,841 gives the same sequence; the c. name uses the placement nearest the transcript's 3' end. VCF-style (leftmost placement, unchanged base first): chr11-108272837-CAG-C. GRCh37 (hg19) VCF-style: chr11-108143564-CAG-C.
Other names: c.3272_3273del (NM_000051.3); c.3272_3273del, p.Glu1091fs (NM_001351834.2); short protein forms E1091fs.
Identifiers: ClinVar variation 584786 (VCV000584786.8), dbSNP rs1565429102, ClinGen allele CA891842966.
Genomic context (GRCh38, chr11:108,272,837, plus strand): 5'-TAAATGAAGTATTTACACAATTTCTTGCTGACAATCATCACCAAGTTCGCATGTTGGCTG[CAG>C]AGTCAATCAATAGGTAATGGGTCAAATATTCATGAAGTATTTGGAATGCTGCAGATGGCA-3'